The following is an entry in ClinVar:

ClinVar aggregate classification (germline): Uncertain significance. Review status: reviewed by expert panel (3 of 4 stars). 2 submissions from 2 submitters: Uncertain significance (1). 1 of the submissions does not count toward it. Last evaluated 2026-04-07.

Conditions:
Von Willebrand disease type 2A. Identifiers: Orphanet 166084, MedGen C1282968, MONDO:0015628. Inheritance: Autosomal recessive or autosomal dominant.

Submissions (2):

ClinGen von Willebrand Disease Variant Curation Expert Panel, ClinGen
Classification: Uncertain significance for Von Willebrand disease type 2A. Last evaluated: 2026-04-07. Review status: reviewed by expert panel. Criteria: ClinGen VWD 2A B M Rules. Collection method: curation. Allele origin: germline. Inheritance: Autosomal dominant inheritance.
Comment: The c.4970T>A variant in VWF is a missense variant predicted to cause substitution of Leucine by histidine at amino acid 1657 (p.Leu1657His). At least 1 patient with this variant displayed excessive mucocutaneous bleeding as well as laboratory phenotypes of very low VWF activity, measured by a VWF:RCo of 7, a low activity/VWF:Ag ratio of 0.5, and loss of high molecular weight multimers, which together are highly specific for VWD type 2A (PP4_Moderate, PMID: 23702511). This variant is absent from gnomAD v4.1 (PM2_Supporting). In summary, this variant meets the criteria to be classified as VUS for autosomal dominant von Willebrand disease type 2A based on the ACMG/AMP criteria applied, as specified by the ClinGen VWD VCEP: PP4_Moderate and PM2_Supporting (VCEP specifications version 1.0.0).

Academic Unit of Haematology, University of Sheffield
No classification provided. Review status: no classification provided. Collection method: not provided. Allele origin: not provided. Not counted in ClinVar's aggregate classification.

NM_000552.5(VWF):c.4970T>A (p.Leu1657His)

Gene: VWF (von Willebrand factor; minus strand). Cytogenetic location: 12p13.31.
Variant type: single nucleotide variant.
Coding change: c.4970T>A on transcript NM_000552.5 (MANE Select); coding-DNA position 4970, T replaced by A.
Protein change: p.Leu1657His; replaces leucine 1657 with histidine.
Molecular consequence: missense variant.
Genome position (GRCh38, 1-based): chr12:6,018,448, A>T on the plus strand (T>A on the coding strand, the complement: VWF is on the minus strand). VCF-style: chr12-6018448-A-T. GRCh37 (hg19) VCF-style: chr12-6127614-A-T.
Other names: NM_000552.5(VWF):c.4970T>A; p.Leu1657His; short protein forms L1657H.
Identifiers: ClinVar variation 100409 (VCV000100409.2), dbSNP rs61750593, ClinGen allele CA228687.